The following is an entry in ClinVar:

ClinVar aggregate classification (germline): Uncertain significance (0 of 4 stars; one submission).

Conditions:
BBS5-related disorder. Also called: BBS5-related condition.

gnomAD v4.1: 3 of 1,608,668 alleles (0.00019%); highest among the groups gnomAD compares: African/African-American, 0.0013%; no homozygotes.

Submission:

PreventionGenetics, part of Exact Sciences
Classification: Uncertain significance for BBS5-related condition. Last evaluated: 2023-10-30. Review status: no assertion criteria provided. Collection method: clinical testing. Allele origin: germline.
Comment: The BBS5 c.143G>A variant is predicted to result in the amino acid substitution p.Gly48Asp. To our knowledge, this variant has not been reported in the literature. This variant is reported in 0.0062% of alleles in individuals of African descent in gnomAD. At this time, the clinical significance of this variant is uncertain due to the absence of conclusive functional and genetic evidence.

NM_152384.3(BBS5):c.143G>A (p.Gly48Asp)

Gene: BBS5 (Bardet-Biedl syndrome 5; plus strand). Cytogenetic location: 2q31.1.
Variant type: single nucleotide variant.
Coding change: c.143G>A on transcript NM_152384.3 (MANE Select); coding-DNA position 143, G replaced by A.
Protein change: p.Gly48Asp; replaces glycine 48 with aspartic acid.
Molecular consequence: missense variant.
Genome position (GRCh38, 1-based): chr2:169,487,069, G>A. VCF-style: chr2-169487069-G-A. GRCh37 (hg19) VCF-style: chr2-170343579-G-A.
Other names: short protein forms G48D.
Identifiers: ClinVar variation 3348230 (VCV003348230.1).